The following is an entry in ClinVar:

ClinVar aggregate classification (germline): Uncertain significance. Review status: criteria provided, multiple submitters, no conflicts (2 of 4 stars). 3 submissions from 3 submitters: Uncertain significance (3). Last evaluated 2023-09-27.

Conditions:
Cardiovascular phenotype. Identifiers: MedGen CN230736.
Hereditary cancer-predisposing syndrome. Also called: Hereditary Cancer Syndrome; Hereditary neoplastic syndrome; Tumor predisposition; Neoplastic Syndromes, Hereditary. Identifiers: Orphanet 140162, MedGen C0027672, MeSH D009386, MONDO:0015356.
Neurofibromatosis, type 1 (NF1). Also called: VON RECKLINGHAUSEN DISEASE; NEUROFIBROMATOSIS, TYPE I, SOMATIC; Peripheral type neurofibromatosis; Neurofibromatosis, type I. Identifiers: Orphanet 636, MedGen C0027831, MONDO:0018975, OMIM 162200. Disease mechanism: loss of function.

Allele frequency attached by ClinVar (database versions not stated): gnomAD exomes below 0.00001.
gnomAD v4.1: 2 of 1,613,298 alleles (0.00012%); highest among the groups gnomAD compares: Non-Finnish European, 0.00017%; no homozygotes.

Submissions (3):

Ambry Genetics
Classification: Uncertain significance for Cardiovascular phenotype; Hereditary cancer-predisposing syndrome. Last evaluated: 2023-09-27. Review status: criteria provided, single submitter. Criteria: Ambry Variant Classification Scheme 2023. Collection method: clinical testing. Allele origin: germline.
Comment: The p.S2414G variant (also known as c.7240A>G), located in coding exon 48 of the NF1 gene, results from an A to G substitution at nucleotide position 7240. The serine at codon 2414 is replaced by glycine, an amino acid with similar properties. This amino acid position is highly conserved in available vertebrate species. In addition, the in silico prediction for this alteration is inconclusive. Since supporting evidence is limited at this time, the clinical significance of this alteration remains unclear.

Genome-Nilou Lab
Classification: Uncertain significance for Neurofibromatosis, type 1. Last evaluated: 2022-03-15. Review status: criteria provided, single submitter. Criteria: ACMG Guidelines, 2015. Collection method: clinical testing. Allele origin: germline. Affected: no.

Labcorp Genetics (formerly Invitae), Labcorp
Classification: Uncertain significance for Neurofibromatosis, type 1. Last evaluated: 2019-11-10. Review status: criteria provided, single submitter. Criteria: Invitae Variant Classification Sherloc (09022015). Collection method: clinical testing. Allele origin: germline.
Comment: This sequence change replaces serine with glycine at codon 2414 of the NF1 protein (p.Ser2414Gly). The serine residue is moderately conserved and there is a small physicochemical difference between serine and glycine. This variant is not present in population databases (ExAC no frequency). This variant has not been reported in the literature in individuals with a NF1-related disease. Algorithms developed to predict the effect of missense changes on protein structure and function do not agree on the potential impact of this missense change (SIFT: "Deleterious"; PolyPhen-2: "Probably Damaging"; Align-GVGD: "Class C0"). In summary, this variant has uncertain impact on NF1 function. The available evidence is currently insufficient to determine its role in disease. Therefore, it has been classified as a Variant of Uncertain Significance.

NM_001042492.3(NF1):c.7303A>G (p.Ser2435Gly)

Gene: NF1 (neurofibromin 1; plus strand). Cytogenetic location: 17q11.2.
Variant type: single nucleotide variant.
Coding change: c.7303A>G on transcript NM_001042492.3 (MANE Select); coding-DNA position 7303, A replaced by G.
Protein change: p.Ser2435Gly; replaces serine 2435 with glycine.
Molecular consequence: missense variant.
Genome position (GRCh38, 1-based): chr17:31,349,233, A>G. VCF-style: chr17-31349233-A-G. GRCh37 (hg19) VCF-style: chr17-29676251-A-G.
Other names: c.7240A>G, p.Ser2414Gly (NM_000267.4); short protein forms S2414G, S2435G.
Identifiers: ClinVar variation 457831 (VCV000457831.13), dbSNP rs1555536038, ClinGen allele CA399016893.
Genomic context (GRCh38, chr17:31,349,233, plus strand): 5'-ACACTACTAACTCTGGTTAACAAACACAGAAATTGTGACAAATTTGAAGTGAATACACAG[A>G]GCGTGGCCTACTTAGCAGGTAAAAACACAAAATAAACAAAATTAATCTTGCTACATCTAT-3'
Protein context (NP_001035957.1, residues 2425-2445): NCDKFEVNTQ[Ser2435Gly]VAYLAALLTV